The following is an entry in ClinVar:

ClinVar aggregate classification (germline): Likely benign. Review status: criteria provided, multiple submitters, no conflicts (2 of 4 stars). 2 submissions from 2 submitters: Likely benign (2). Last evaluated 2026-08-25.

Conditions:
SIX2-related disorder. Also called: SIX2-related condition.

Allele frequency attached by ClinVar (database versions not stated): ESP Exome Variant Server 0.00015; 1000 Genomes Project 30x 0.00031; TOPMed 0.00037; 1000 Genomes Project 0.00040.
gnomAD v4.1: 90 of 1,613,806 alleles (0.0056%); highest among the groups gnomAD compares: African/African-American, 0.11%; no homozygotes.

Submissions (2):

PreventionGenetics, part of Exact Sciences
Classification: Likely benign for SIX2-related condition. Last evaluated: 2026-08-25. Review status: criteria provided, single submitter. Criteria: ACMG Guidelines, 2015. Collection method: clinical testing. Allele origin: germline.
Comment: This variant is classified as likely benign based on ACMG/AMP sequence variant interpretation guidelines (Richards et al. 2015 PMID: 25741868, with internal and published modifications).

Labcorp Genetics (formerly Invitae), Labcorp
Classification: Likely benign. Last evaluated: 2025-06-12. Review status: criteria provided, single submitter. Criteria: Invitae Variant Classification Sherloc (09022015). Collection method: clinical testing. Allele origin: germline.

NM_016932.5(SIX2):c.546C>G (p.Ala182=)

Gene: SIX2 (SIX homeobox 2; minus strand). Cytogenetic location: 2p21.
Variant type: single nucleotide variant.
Coding change: c.546C>G on transcript NM_016932.5 (MANE Select); coding-DNA position 546, C replaced by G.
Protein change: p.Ala182=; no amino-acid change (alanine 182 retained).
Molecular consequence: synonymous variant.
Genome position (GRCh38, 1-based): chr2:45,008,565, G>C on the plus strand (C>G on the coding strand, the complement: SIX2 is on the minus strand). VCF-style: chr2-45008565-G-C. GRCh37 (hg19) VCF-style: chr2-45235704-G-C.
Other names: c.546C>G (NM_016932.4).
Identifiers: ClinVar variation 2141170 (VCV002141170.5), dbSNP rs149963762, ClinGen allele CA1642571.
Genomic context (GRCh38, chr2:45,008,565, plus strand): 5'-TTGGGCCCCGGGGAGCTGGCGCCGAAGAAGGTCTACTTACTCGTACCTTTCCTTGGCCTC[G>C]GCCGCCCGGTCGCGCTGCCGCCGGTTCTTGAACCAGTTGCTGACCTGTGTGGTGGTGAGG-3'
Protein context (NP_058628.3, residues 172-192): FKNRRQRDRA[Ala182=]EAKERENNEN